The following is an entry in ClinVar:

NC_000012.11:g.(?_32866123)_(32866325_?)del

Gene: DNM1L (dynamin 1 like; plus strand). Cytogenetic location: 12p11.21.
Variant type: Deletion.
Identifiers: ClinVar variation 1460297 (VCV001460297.5).

ClinVar aggregate classification (germline): Pathogenic (1 of 4 stars; one submission).

Submission:

Labcorp Genetics (formerly Invitae), Labcorp
Classification: Pathogenic. Last evaluated: 2022-06-27. Review status: criteria provided, single submitter. Criteria: Invitae Variant Classification Sherloc (09022015). Collection method: clinical testing. Allele origin: germline.
Comment: For these reasons, this variant has been classified as Pathogenic. This variant has not been reported in the literature in individuals affected with DNM1L-related conditions. This variant is a gross deletion of the genomic region encompassing exon(s) 6 of the DNM1L gene. This deletion is out-of-frame, and is expected to create a premature termination codon and result in an absent or disrupted protein product. Loss-of-function variants in DNM1L are known to be pathogenic (PMID: 26825290, 27328748).

Literature cited by the submitters: PubMed 26825290; PubMed 27328748.